The following is an entry in ClinVar:

ClinVar aggregate classification (germline): Uncertain significance (1 of 4 stars; one submission).

gnomAD v4.1: 12 of 1,613,750 alleles (0.00074%); highest among the groups gnomAD compares: Non-Finnish European, 0.001%; no homozygotes.

Submission:

Dasa
Classification: Uncertain significance. Last evaluated: 2026-03-18. Review status: criteria provided, single submitter. Criteria: DASA Assertion Criteria. Collection method: clinical testing. Allele origin: germline.
Comment: NM_015275.3(WASHC4):c.3007C>T (p.Arg1003*) is a nonsense variant in WASHC4 predicted to introduce a premature termination codon and is predicted to result in an absent or altered protein product. This variant is rare in population databases. The currently available literature and clinical evidence are not sufficient to establish a definitive association between this variant and the reported condition. Therefore, this variant is classified as a variant of uncertain significance.

NM_015275.3(WASHC4):c.3007C>T (p.Arg1003Ter)

Gene: WASHC4 (WASH complex subunit 4; plus strand). Cytogenetic location: 12q23.3.
Variant type: single nucleotide variant.
Coding change: c.3007C>T on transcript NM_015275.3 (MANE Select); coding-DNA position 3007, C replaced by T.
Protein change: p.Arg1003Ter; replaces arginine 1003 with a stop codon.
Molecular consequence: nonsense.
Genome position (GRCh38, 1-based): chr12:105,160,095, C>T. VCF-style: chr12-105160095-C-T. GRCh37 (hg19) VCF-style: chr12-105553873-C-T.
Other names: c.3010C>T, p.Arg1004Ter (NM_001293640.2); short protein forms R1003*, R1004*.
Identifiers: ClinVar variation 4882774 (VCV004882774.2).
Genomic context (GRCh38, chr12:105,160,095, plus strand): 5'-AATTCTGCCGAAGGCACAGAATATTTCAAAATGCTTGTAGACGTTTTTGCTCCAGAATTT[C>T]GAAGGCCAAAGAATATACATCTCCGAAATTTCTATATAATTGTTCCCCCTCTGGTGAGTA-3'